The following is an entry in ClinVar:

ClinVar aggregate classification (germline): Likely benign (1 of 4 stars; one submission).

Submission:

CeGaT Center for Human Genetics Tuebingen
Classification: Likely benign. Last evaluated: 2022-04-01. Review status: criteria provided, single submitter. Criteria: CeGaT Center For Human Genetics Tuebingen Variant Classification Criteria Version 2. Collection method: clinical testing. Allele origin: germline. Affected: yes. Observed: 1 variant allele.
Comment: DIS3L2: PM2:Supporting, BP4, BP7

NM_001257281.2(DIS3L2):c.1632C>G (p.Pro544=)

Gene: DIS3L2 (DIS3 like 3'-5' exoribonuclease 2; plus strand). Cytogenetic location: 2q37.1.
Variant type: single nucleotide variant.
Coding change: c.1632C>G on transcript NM_001257281.2; coding-DNA position 1632, C replaced by G.
Protein change: p.Pro544=; no amino-acid change (proline 544 retained).
Molecular consequence: synonymous variant.
Genome position (GRCh38, 1-based): chr2:232,343,395, C>G. VCF-style: chr2-232343395-C-G. GRCh37 (hg19) VCF-style: chr2-233208105-C-G.
Identifiers: ClinVar variation 2652004 (VCV002652004.22), dbSNP rs2469468423, ClinGen allele CA431783474.